The following is an entry in ClinVar:

NM_000827.4(GRIA1):c.2117G>A (p.Arg706Gln)

Gene: GRIA1 (glutamate ionotropic receptor AMPA type subunit 1; plus strand). Cytogenetic location: 5q33.2.
Variant type: single nucleotide variant.
Coding change: c.2117G>A on transcript NM_000827.4 (MANE Select); coding-DNA position 2117, G replaced by A.
Protein change: p.Arg706Gln; replaces arginine 706 with glutamine.
Molecular consequence: missense variant. On other transcripts: non-coding transcript variant (2).
Genome position (GRCh38, 1-based): chr5:153,770,262, G>A. VCF-style: chr5-153770262-G-A. GRCh37 (hg19) VCF-style: chr5-153149822-G-A.
Other names: c.2117G>A, p.Arg706Gln (NM_001114183.2); c.1877G>A, p.Arg626Gln (NM_001258019.2); c.1832G>A, p.Arg611Gln (NM_001258020.2); c.2147G>A, p.Arg716Gln (NM_001258021.2, NM_001258022.2); c.1910G>A, p.Arg637Gln (NM_001258023.1, NM_001364167.2); c.1949G>A, p.Arg650Gln (NM_001364165.2); c.2144G>A, p.Arg715Gln (NM_001364166.2); short protein forms R611Q, R626Q, R637Q, R650Q, R706Q, R715Q, R716Q.
Identifiers: ClinVar variation 3372962 (VCV003372962.1).

ClinVar aggregate classification (germline): Uncertain significance (1 of 4 stars; one submission).

gnomAD v4.1: 2 of 1,614,070 alleles (0.00012%); highest among the groups gnomAD compares: South Asian, 0.0011%; no homozygotes.

Submission:

GeneDx
Classification: Uncertain significance. Last evaluated: 2024-04-26. Review status: criteria provided, single submitter. Criteria: GeneDx Variant Classification Process June 2021. Collection method: clinical testing. Allele origin: germline. Affected: yes.
Comment: Not observed at significant frequency in large population cohorts (gnomAD); In silico analysis supports that this missense variant has a deleterious effect on protein structure/function; Has not been previously published as pathogenic or benign to our knowledge